The following is an entry in ClinVar:

ClinVar aggregate classification (germline): Uncertain significance (1 of 4 stars; one submission).

Submission:

Dasa
Classification: Uncertain significance. Last evaluated: 2025-02-03. Review status: criteria provided, single submitter. Criteria: DASA Assertion Criteria. Collection method: clinical testing. Allele origin: germline.
Comment: NM_000419.5(ITGA2B):c.1439+5G>A is a splice-region variant. This variant is rare in population databases. Computational prediction algorithms are consistent with a deleterious effect. The currently available literature and clinical evidence are not sufficient to establish a definitive association between this variant and the reported condition. Therefore, this variant is classified as a variant of uncertain significance.

NM_000419.5(ITGA2B):c.1439+5G>A

Gene: ITGA2B (integrin subunit alpha 2b; minus strand). Cytogenetic location: 17q21.31.
Variant type: single nucleotide variant.
Coding change: c.1439+5G>A on transcript NM_000419.5 (MANE Select); 5 bases into the intron after coding-DNA position 1439, G replaced by A.
Molecular consequence: intron variant.
Genome position (GRCh38, 1-based): chr17:44,380,595, C>T on the plus strand (G>A on the coding strand, the complement: ITGA2B is on the minus strand). VCF-style: chr17-44380595-C-T. GRCh37 (hg19) VCF-style: chr17-42457963-C-T.
Identifiers: ClinVar variation 4886014 (VCV004886014.2).
Genomic context (GRCh38, chr17:44,380,595, plus strand): 5'-CCTGGCCTGGCCTCCTCTTGATGGCACAGGACCTTCCCCATCCCGCCCCTGGAGCCAGTG[C>T]TCACCTGTACACAGCCACCTGGTTGGCCCCGTAAGCTCCCACGATCAGGTCTATAGACAT-3'